The following is an entry in ClinVar:

ClinVar aggregate classification (germline): Likely benign. Review status: criteria provided, multiple submitters, no conflicts (2 of 4 stars). 7 submissions from 7 submitters: Likely benign (3). 4 of the submissions do not count toward it. Last evaluated 2026-09-01.

Conditions:
IRF2BPL-related disorder. Also called: IRF2BPL-related condition. Identifiers: MedGen CN381093.
Neurodevelopmental disorder with regression, abnormal movements, loss of speech, and seizures. Identifiers: Orphanet 597623, MedGen C4748127, MONDO:0060759, OMIM 618088.

Submissions (7):

CeGaT Center for Human Genetics Tuebingen
Classification: Likely benign. Last evaluated: 2026-09-01. Review status: criteria provided, single submitter. Criteria: CeGaT Center For Human Genetics Tuebingen Variant Classification Criteria Version 2. Collection method: clinical testing. Allele origin: germline. Affected: yes. Observed: 12 variant alleles.
Comment: IRF2BPL: BS1

Blueprint Genetics
Classification: Likely benign. Last evaluated: 2024-11-27. Review status: criteria provided, single submitter. Criteria: ACMG Guidelines, 2015. Collection method: clinical testing. Allele origin: germline.

Department of Pathology and Laboratory Medicine, Sinai Health System
Classification: Likely benign for Neurodevelopmental disorder with regression, abnormal movements, loss of speech, and seizures. Last evaluated: 2023-03-17. Review status: criteria provided, single submitter. Criteria: ACMG Guidelines, 2015. Collection method: research. Allele origin: germline.

PreventionGenetics, part of Exact Sciences
Classification: Likely benign for IRF2BPL-related condition. Last evaluated: 2020-12-14. Review status: no assertion criteria provided. Collection method: clinical testing. Allele origin: germline. Not counted in ClinVar's aggregate classification.
Comment: This variant is classified as likely benign based on ACMG/AMP sequence variant interpretation guidelines (Richards et al. 2015 PMID: 25741868, with internal and published modifications).

Clinical Genetics DNA and cytogenetics Diagnostics Lab, Erasmus MC, Erasmus Medical Center
Classification: Likely benign. Review status: no assertion criteria provided. Collection method: clinical testing. Allele origin: germline. Affected: yes. Study: VKGL Data-share Consensus. Not counted in ClinVar's aggregate classification.

Diagnostic Laboratory, Department of Genetics, University Medical Center Groningen
Classification: Likely benign. Review status: no assertion criteria provided. Collection method: clinical testing. Allele origin: germline. Affected: yes. Study: VKGL Data-share Consensus. Not counted in ClinVar's aggregate classification.

Genome Diagnostics Laboratory, University Medical Center Utrecht
Classification: Likely benign. Review status: no assertion criteria provided. Collection method: clinical testing. Allele origin: germline. Affected: yes. Study: VKGL Data-share Consensus. Not counted in ClinVar's aggregate classification.

NM_024496.4(IRF2BPL):c.491_492insCGC (p.Ala164dup)

Gene: IRF2BPL (interferon regulatory factor 2 binding protein like; minus strand). Cytogenetic location: 14q24.3.
Variant type: Insertion.
Coding change: c.491_492insCGC on transcript NM_024496.4 (MANE Select); coding-DNA positions 491 to 492, CGC inserted.
Protein change: p.Ala164dup; duplicates alanine 164.
Molecular consequence: inframe insertion.
Genome position: GRCh38 VCF-style: chr14-77027301-C-CGCG. GRCh37 (hg19) VCF-style: chr14-77493644-C-CGCG.
Other names: c.491_492insCGC (NM_024496.3).
Identifiers: ClinVar variation 1174647 (VCV001174647.35), dbSNP rs780441372, ClinGen allele CA7283932.